The following is an entry in ClinVar:

ClinVar aggregate classification (germline): Likely pathogenic (1 of 4 stars; one submission).

Conditions:
Duchenne muscular dystrophy (DMD). Also called: MUSCULAR DYSTROPHY, PSEUDOHYPERTROPHIC PROGRESSIVE, DUCHENNE TYPE; Duchenne Muscular Dystrophy (DMD). Identifiers: Orphanet 98896, MedGen C0013264, MONDO:0010679, OMIM 310200.

Submission:

3billion
Classification: Likely pathogenic for Duchenne muscular dystrophy. Last evaluated: 2025-02-20. Review status: criteria provided, single submitter. Criteria: ACMG Guidelines, 2015. Collection method: clinical testing. Allele origin: germline. Affected: yes.
Comment: The variant is not observed in the gnomAD v4.1.0 dataset. Predicted Consequence/Location: Frameshift: predicted to result in a loss or disruption of normal protein function through nonsense-mediated decay (NMD) or protein truncation. Multiple pathogenic variants are reported downstream of the variant. Therefore, this variant is classified as Likely pathogenic according to the recommendation of ACMG/AMP guideline.

NM_004006.3(DMD):c.6143del (p.Ser2048fs)

Gene: DMD (dystrophin; minus strand). Cytogenetic location: Xp21.1.
Variant type: Deletion.
Coding change: c.6143del on transcript NM_004006.3 (MANE Select); coding-DNA position 6143, one base deleted (G; older notation c.6143delG).
Protein change: p.Ser2048fs; shifts the reading frame from serine 2048.
Molecular consequence: frameshift variant.
Genome position (GRCh38, 1-based): chrX:32,287,676, C deleted on the plus strand (G on the coding strand, the reverse complement: DMD is on the minus strand). VCF-style (leftmost placement, unchanged base first): chrX-32287675-GC-G. GRCh37 (hg19) VCF-style: chrX-32305792-GC-G.
Other names: c.6119del, p.Ser2040fs (NM_000109.4); c.6131del, p.Ser2044fs (NM_004009.3); c.5774del, p.Ser1925fs (NM_004010.3); c.2120del, p.Ser707fs (NM_004011.4); c.2111del, p.Ser704fs (NM_004012.4); short protein forms S1925fs, S2040fs, S2044fs, S2048fs, S704fs, S707fs.
Identifiers: ClinVar variation 4293902 (VCV004293902.1).
Genomic context (GRCh38, chrX:32,287,675, plus strand): 5'-AGGCGTTGCACTTTGCAATGCTGCTGTCTTCTTGCTATGAATAATGTCAATCCGACCTGA[GC>G]TTTGTTGTAGACTATCTTTTATATTCTGTAATATAAAAATTTTAAAACAGTAAAAAAATG-3'